The following is an entry in ClinVar:

NC_000005.10:g.112850819A>C

Variant type: single nucleotide variant.
Genome position: GRCh38 VCF-style: chr5-112850819-A-C. GRCh37 (hg19) VCF-style: chr5-112186516-A-C.
Identifiers: ClinVar variation 82655 (VCV000082655.3), dbSNP rs76608198, ClinGen allele CA250795.
Genomic context (GRCh38, chr5:112,850,819, plus strand): 5'-AACATGAAACATGATGACAACATTTGGTACTATAAATAATAACTTTTCCTTTTGTTTTGC[A>C]CAGACTAATTCATCTGTAAAGCACTGGCAGCCTCATTGTTACCATGGTTTTTGTTAATTT-3'

ClinVar aggregate classification (germline): other (0 of 4 stars; one submission).

Conditions:
Familial colorectal cancer. Identifiers: MedGen CN280943, MONDO:0023113. Disease mechanism: loss of function.

Submission:

Systems Biology Platform Zhejiang California International NanoSystems Institute
Classification: other for Familial colorectal cancer. Review status: no assertion criteria provided. Collection method: not provided. Allele origin: unknown.
ClinVar note: Converted during submission from cancer to other.